The following is an entry in ClinVar:

ClinVar aggregate classification (germline): Uncertain significance (1 of 4 stars; one submission).

gnomAD v4.1: 8 of 1,208,499 alleles (0.00066%); highest among the groups gnomAD compares: Non-Finnish European, 0.00089%; no homozygotes.

Submission:

Labcorp Genetics (formerly Invitae), Labcorp
Classification: Uncertain significance. Last evaluated: 2025-01-23. Review status: criteria provided, single submitter. Criteria: Invitae Variant Classification Sherloc (09022015). Collection method: clinical testing. Allele origin: germline.
Comment: This sequence change replaces serine, which is neutral and polar, with arginine, which is basic and polar, at codon 111 of the ALAS2 protein (p.Ser111Arg). This variant is present in population databases (rs148675012, gnomAD 0.004%). This variant has not been reported in the literature in individuals affected with ALAS2-related conditions. Invitae Evidence Modeling of protein sequence and biophysical properties (such as structural, functional, and spatial information, amino acid conservation, physicochemical variation, residue mobility, and thermodynamic stability) indicates that this missense variant is not expected to disrupt ALAS2 protein function with a negative predictive value of 95%. In summary, the available evidence is currently insufficient to determine the role of this variant in disease. Therefore, it has been classified as a Variant of Uncertain Significance.

NM_000032.5(ALAS2):c.331A>C (p.Ser111Arg)

Genes: ALAS2 (5'-aminolevulinate synthase 2; minus strand), LOC108663984 (ALAS2 intron 1 and 3 erythroid regulatory elements; plus strand). Cytogenetic location: Xp11.21.
Variant type: single nucleotide variant.
Coding change: c.331A>C on transcript NM_000032.5 (MANE Select); coding-DNA position 331, A replaced by C.
Protein change: p.Ser111Arg; replaces serine 111 with arginine.
Molecular consequence: missense variant. On other transcripts: intron variant (2).
Genome position (GRCh38, 1-based): chrX:55,023,841, T>G on the plus strand (A>C on the coding strand, the complement: ALAS2 is on the minus strand). VCF-style: chrX-55023841-T-G. GRCh37 (hg19) VCF-style: chrX-55050274-T-G.
Other names: c.304+877A>C (NM_001037967.4); c.376+877A>C (NM_001037968.4); short protein forms S111R.
Identifiers: ClinVar variation 3605802 (VCV003605802.2).